The following is an entry in ClinVar:

ClinVar aggregate classification (germline): other (0 of 4 stars; one submission).

Conditions:
Familial colorectal cancer. Identifiers: MedGen CN280943, MONDO:0023113. Disease mechanism: loss of function.

Submission:

Systems Biology Platform Zhejiang California International NanoSystems Institute
Classification: other for Familial colorectal cancer. Review status: no assertion criteria provided. Collection method: not provided. Allele origin: unknown.
ClinVar note: Converted during submission from cancer to other.

NM_000038.6(APC):c.730-162C>G

Gene: APC (APC regulator of WNT signaling pathway; plus strand). Cytogenetic location: 5q22.2.
Variant type: single nucleotide variant.
Coding change: c.730-162C>G on transcript NM_000038.6 (MANE Select); 162 bases into the intron before coding-DNA position 730, C replaced by G.
Molecular consequence: intron variant.
Genome position (GRCh38, 1-based): chr5:112,801,117, C>G. VCF-style: chr5-112801117-C-G. GRCh37 (hg19) VCF-style: chr5-112136814-C-G.
Other names: c.730-162C>G (NM_001354895.2, NM_001127510.3, NM_001354896.2 and 1 more transcripts); c.760-162C>G (NM_001354897.2, NM_001354902.2); c.676-162C>G (NM_001127511.3); c.655-162C>G (NM_001354898.2, NM_001354904.2); c.-306-162C>G (NM_001354906.2); c.646-162C>G (NM_001354899.2); c.553-162C>G (NM_001354900.2, NM_001354901.2, NM_001354905.2).
Identifiers: ClinVar variation 83041 (VCV000083041.2), dbSNP rs76700290, ClinGen allele CA013342.